The following is an entry in ClinVar:

ClinVar aggregate classification (germline): Uncertain significance (1 of 4 stars; one submission).

Allele frequency attached by ClinVar (database versions not stated): gnomAD exomes 0.00001; gnomAD 0.00002 and 0.00003; TOPMed 0.00002.
gnomAD v4.1: 7 of 1,611,694 alleles (0.00043%); highest among the groups gnomAD compares: Admixed American, 0.0067%; no homozygotes.

Submission:

Labcorp Genetics (formerly Invitae), Labcorp
Classification: Uncertain significance. Last evaluated: 2021-04-03. Review status: criteria provided, single submitter. Criteria: Invitae Variant Classification Sherloc (09022015). Collection method: clinical testing. Allele origin: germline.
Comment: In summary, the available evidence is currently insufficient to determine the role of this variant in disease. Therefore, it has been classified as a Variant of Uncertain Significance. Nucleotide substitutions within the consensus splice site are a relatively common cause of aberrant splicing (PMID: 17576681, 9536098). Algorithms developed to predict the effect of sequence changes on RNA splicing suggest that this variant may disrupt the consensus splice site, but this prediction has not been confirmed by published transcriptional studies. This variant has not been reported in the literature in individuals with KMT2C-related conditions. This variant is not present in population databases (ExAC no frequency). This sequence change falls in intron 37 of the KMT2C gene. It does not directly change the encoded amino acid sequence of the KMT2C protein. It affects a nucleotide within the consensus splice site of the intron.

Literature cited by the submitters: PubMed 17576681; PubMed 9536098.

NM_170606.3(KMT2C):c.7442+3A>G

Gene: KMT2C (lysine methyltransferase 2C; minus strand). Cytogenetic location: 7q36.1.
Variant type: single nucleotide variant.
Coding change: c.7442+3A>G on transcript NM_170606.3 (MANE Select); 3 bases into the intron after coding-DNA position 7442, A replaced by G.
Molecular consequence: intron variant.
Genome position (GRCh38, 1-based): chr7:152,179,831, T>C on the plus strand (A>G on the coding strand, the complement: KMT2C is on the minus strand). VCF-style: chr7-152179831-T-C. GRCh37 (hg19) VCF-style: chr7-151876916-T-C.
Identifiers: ClinVar variation 1522583 (VCV001522583.6), dbSNP rs1161071162, ClinGen allele CA578740722.